The following is an entry in ClinVar:

ClinVar aggregate classification (germline): Uncertain significance (1 of 4 stars; one submission).

Submission:

GeneDx
Classification: Uncertain significance. Last evaluated: 2025-04-14. Review status: criteria provided, single submitter. Criteria: GeneDx Variant Classification Process June 2021. Collection method: clinical testing. Allele origin: germline. Affected: yes.
Comment: Not observed in large population cohorts (gnomAD); In silico analysis supports that this missense variant has a deleterious effect on protein structure/function; Has not been previously published as pathogenic or benign to our knowledge

NM_004247.4(EFTUD2):c.1541A>G (p.Tyr514Cys)

Gene: EFTUD2 (elongation factor Tu GTP binding domain containing 2; minus strand). Cytogenetic location: 17q21.31.
Variant type: single nucleotide variant.
Coding change: c.1541A>G on transcript NM_004247.4 (MANE Select); coding-DNA position 1541, A replaced by G.
Protein change: p.Tyr514Cys; replaces tyrosine 514 with cysteine.
Molecular consequence: missense variant.
Genome position (GRCh38, 1-based): chr17:44,862,779, T>C on the plus strand (A>G on the coding strand, the complement: EFTUD2 is on the minus strand). VCF-style: chr17-44862779-T-C. GRCh37 (hg19) VCF-style: chr17-42940147-T-C.
Other names: c.1436A>G, p.Tyr479Cys (NM_001142605.2); c.1541A>G, p.Tyr514Cys (NM_001258353.2); c.1511A>G, p.Tyr504Cys (NM_001258354.2); short protein forms Y479C, Y504C, Y514C.
Identifiers: ClinVar variation 1315164 (VCV001315164.3), dbSNP rs2145470228, ClinGen allele CA399813630.
Genomic context (GRCh38, chr17:44,862,779, plus strand): 5'-ACAGAGATCCAAAGGCGGCCCACGGTGCATATCTGGGAGTCTTCCTCATCCTCCAGGGTG[T>C]AGTTCTCCCCCAGTACCTTCACAGGCTGCCCAGCATGAATGGTGCCACTCAGCACCCGGC-3'
Protein context (NP_004238.3, residues 504-524): GQPVKVLGEN[Tyr514Cys]TLEDEEDSQI